The following is an entry in ClinVar:

ClinVar aggregate classification (germline): Likely benign. Review status: criteria provided, multiple submitters, no conflicts (2 of 4 stars). 2 submissions from 2 submitters: Likely benign (2). Last evaluated 2025-01-10.

Conditions:
COL18A1-related disorder. Also called: COL18A1-related disorders; COL18A1-related condition.

Allele frequency attached by ClinVar (database versions not stated): gnomAD 0.00001; gnomAD exomes 0.00001; TOPMed 0.00001.
gnomAD v4.1: 6 of 1,612,374 alleles (0.00037%); highest among the groups gnomAD compares: Non-Finnish European, 0.00042%; no homozygotes.

Submissions (2):

PreventionGenetics, part of Exact Sciences
Classification: Likely benign for COL18A1-related condition. Last evaluated: 2025-01-10. Review status: criteria provided, single submitter. Criteria: ACMG Guidelines, 2015. Collection method: clinical testing. Allele origin: germline.
Comment: This variant is classified as likely benign based on ACMG/AMP sequence variant interpretation guidelines (Richards et al. 2015 PMID: 25741868, with internal and published modifications).

Labcorp Genetics (formerly Invitae), Labcorp
Classification: Likely benign. Last evaluated: 2023-04-01. Review status: criteria provided, single submitter. Criteria: Invitae Variant Classification Sherloc (09022015). Collection method: clinical testing. Allele origin: germline.

NM_001379500.1(COL18A1):c.3930G>A (p.Gly1310=)

Genes: COL18A1 (collagen type XVIII alpha 1 chain; plus strand), SLC19A1 (solute carrier family 19 member 1; minus strand). Cytogenetic location: 21q22.3.
Variant type: single nucleotide variant.
Coding change: c.3930G>A on transcript NM_001379500.1 (MANE Select); coding-DNA position 3930, G replaced by A.
Protein change: p.Gly1310=; no amino-acid change (glycine 1310 retained).
Molecular consequence: synonymous variant.
Genome position (GRCh38, 1-based): chr21:45,512,308, G>A. VCF-style: chr21-45512308-G-A. GRCh37 (hg19) VCF-style: chr21-46932222-G-A.
Other names: c.4461G>A, p.Gly1487= (NM_030582.4); c.5166G>A, p.Gly1722= (NM_130444.3); c.4461G>A (NM_030582.3).
Identifiers: ClinVar variation 1644157 (VCV001644157.9), dbSNP rs989772737, ClinGen allele CA321927288.